The following is an entry in ClinVar:

NM_001369.3(DNAH5):c.3514C>T (p.Gln1172Ter)

Genes: DNAH5 (dynein axonemal heavy chain 5; minus strand), DNAH5-AS1 (DNAH5 antisense RNA 1; plus strand). Cytogenetic location: 5p15.2.
Variant type: single nucleotide variant.
Coding change: c.3514C>T on transcript NM_001369.3 (MANE Select); coding-DNA position 3514, C replaced by T.
Protein change: p.Gln1172Ter; replaces glutamine 1172 with a stop codon.
Molecular consequence: nonsense.
Genome position (GRCh38, 1-based): chr5:13,871,648, G>A on the plus strand (C>T on the coding strand, the complement: DNAH5 is on the minus strand). VCF-style: chr5-13871648-G-A. GRCh37 (hg19) VCF-style: chr5-13871757-G-A.
Other names: short protein forms Q1172*.
Identifiers: ClinVar variation 2971456 (VCV002971456.3), dbSNP rs141168110, ClinGen allele CA359232971.

ClinVar aggregate classification (germline): Pathogenic (1 of 4 stars; one submission).

Conditions:
Primary ciliary dyskinesia. Also called: Ciliary dyskinesia. Identifiers: Orphanet 244, MedGen C0008780, MONDO:0016575, HP:0012265.

Submission:

Labcorp Genetics (formerly Invitae), Labcorp
Classification: Pathogenic for Primary ciliary dyskinesia. Last evaluated: 2023-07-29. Review status: criteria provided, single submitter. Criteria: Invitae Variant Classification Sherloc (09022015). Collection method: clinical testing. Allele origin: germline.
Comment: This sequence change creates a premature translational stop signal (p.Gln1172*) in the DNAH5 gene. It is expected to result in an absent or disrupted protein product. Loss-of-function variants in DNAH5 are known to be pathogenic (PMID: 11788826, 16627867). This variant is not present in population databases (gnomAD no frequency). This premature translational stop signal has been observed in individual(s) with primary ciliary dyskinesia (PMID: 31638833). Algorithms developed to predict the effect of sequence changes on RNA splicing suggest that this variant may disrupt the consensus splice site. For these reasons, this variant has been classified as Pathogenic.

Literature cited by the submitters: PubMed 11788826; PubMed 16627867; PubMed 31638833.